The following is an entry in ClinVar:

NM_006005.3(WFS1):c.1089G>A (p.Lys363=)

Gene: WFS1 (wolframin ER transmembrane glycoprotein; plus strand). Cytogenetic location: 4p16.1.
Variant type: single nucleotide variant.
Coding change: c.1089G>A on transcript NM_006005.3 (MANE Select); coding-DNA position 1089, G replaced by A.
Protein change: p.Lys363=; no amino-acid change (lysine 363 retained).
Molecular consequence: synonymous variant.
Genome position (GRCh38, 1-based): chr4:6,300,884, G>A. VCF-style: chr4-6300884-G-A. GRCh37 (hg19) VCF-style: chr4-6302611-G-A.
Other names: c.1089G>A, p.Lys363= (NM_001145853.1).
Identifiers: ClinVar variation 506475 (VCV000506475.2), dbSNP rs1553878342, ClinGen allele CA438367952.

ClinVar aggregate classification (germline): Benign/Likely benign. Review status: criteria provided, multiple submitters, no conflicts (2 of 4 stars). 2 submissions from 2 submitters: Benign (1); Likely benign (1). Last evaluated 2017-05-08.

Conditions:
Wolfram syndrome 1 (WFS1). Identifiers: Orphanet 3463, MedGen C4551693, MONDO:0009101, OMIM 222300.

Submissions (2):

GeneDx
Classification: Likely benign. Last evaluated: 2017-05-08. Review status: criteria provided, single submitter. Criteria: GeneDx Variant Classification (06012015). Collection method: clinical testing. Allele origin: germline. Affected: yes.
Comment: This variant is considered likely benign or benign based on one or more of the following criteria: it is a conservative change, it occurs at a poorly conserved position in the protein, it is predicted to be benign by multiple in silico algorithms, and/or has population frequency not consistent with disease.

Clinical Genomics, Uppaluri K&H Personalized Medicine Clinic
Classification: Benign for Wolfram syndrome 1. Review status: criteria provided, single submitter. Criteria: K & H Uppaluri Personalized Medicine Clinic Variant Classification & Assertion Criteria_Updated V.1. Collection method: research. Allele origin: unknown. Inheritance: Autosomal recessive inheritance.
Comment: Potent mutations in WFS1 gene are associated with Wolfram's syndrome, an autosomal recessive condition, which cause diabetes mellitus, diabetes insipidus, deafness and optic atrophy.However no sufficient evidence is found to ascertain the role of this particular variant rs1553878342 in Wolfram's syndrome yet.

Literature cited by the submitters: PubMed 20738327 (cited by Clinical Genomics, Uppaluri K&H Personalized Medicine Clinic); PubMed 33879153 (cited by Clinical Genomics, Uppaluri K&H Personalized Medicine Clinic); PubMed 12955714 (cited by Clinical Genomics, Uppaluri K&H Personalized Medicine Clinic); PubMed 18060660 (cited by Clinical Genomics, Uppaluri K&H Personalized Medicine Clinic); PubMed 20301750 (cited by Clinical Genomics, Uppaluri K&H Personalized Medicine Clinic); PubMed 17603484 (cited by Clinical Genomics, Uppaluri K&H Personalized Medicine Clinic).